The following is an entry in ClinVar:

ClinVar aggregate classification (germline): Uncertain significance. Review status: criteria provided, multiple submitters, no conflicts (2 of 4 stars). 2 submissions from 2 submitters: Uncertain significance (2). Last evaluated 2025-11-25.

Conditions:
Hereditary cancer-predisposing syndrome. Also called: Hereditary Cancer Syndrome; Hereditary neoplastic syndrome; Tumor predisposition; Neoplastic Syndromes, Hereditary. Identifiers: Orphanet 140162, MedGen C0027672, MeSH D009386, MONDO:0015356.

Allele frequency attached by ClinVar (database versions not stated): gnomAD exomes below 0.00001; TOPMed below 0.00001.
gnomAD v4.1: 4 of 1,614,162 alleles (0.00025%); highest among the groups gnomAD compares: South Asian, 0.0011%; no homozygotes.

Submissions (2):

Ambry Genetics
Classification: Uncertain significance for Hereditary cancer-predisposing syndrome. Last evaluated: 2025-11-25. Review status: criteria provided, single submitter. Criteria: Ambry Variant Classification Scheme 2023. Collection method: clinical testing. Allele origin: germline.
Comment: The p.R782H variant (also known as c.2345G>A), located in coding exon 16 of the CTNNA1 gene, results from a G to A substitution at nucleotide position 2345. The arginine at codon 782 is replaced by histidine, an amino acid with highly similar properties. This amino acid position is highly conserved in available vertebrate species. In addition, the in silico prediction for this alteration is inconclusive. Based on the available evidence, the clinical significance of this variant remains unclear.

Labcorp Genetics (formerly Invitae), Labcorp
Classification: Uncertain significance. Last evaluated: 2024-04-06. Review status: criteria provided, single submitter. Criteria: Invitae Variant Classification Sherloc (09022015). Collection method: clinical testing. Allele origin: germline.
Comment: This sequence change replaces arginine, which is basic and polar, with histidine, which is basic and polar, at codon 782 of the CTNNA1 protein (p.Arg782His). This variant is not present in population databases (gnomAD no frequency). This variant has not been reported in the literature in individuals affected with CTNNA1-related conditions. ClinVar contains an entry for this variant (Variation ID: 844515). An algorithm developed to predict the effect of missense changes on protein structure and function (PolyPhen-2) suggests that this variant is likely to be disruptive. In summary, the available evidence is currently insufficient to determine the role of this variant in disease. Therefore, it has been classified as a Variant of Uncertain Significance.

NM_001903.5(CTNNA1):c.2345G>A (p.Arg782His)

Gene: CTNNA1 (catenin alpha 1; plus strand). Cytogenetic location: 5q31.2.
Variant type: single nucleotide variant.
Coding change: c.2345G>A on transcript NM_001903.5 (MANE Select); coding-DNA position 2345, G replaced by A.
Protein change: p.Arg782His; replaces arginine 782 with histidine.
Molecular consequence: missense variant. On other transcripts: intron variant (1).
Genome position (GRCh38, 1-based): chr5:138,932,624, G>A. VCF-style: chr5-138932624-G-A. GRCh37 (hg19) VCF-style: chr5-138268313-G-A.
Other names: c.2345G>A, p.Arg782His (NM_001290307.3, NM_001323982.2, NM_001323983.1 and 2 more transcripts); c.2036G>A, p.Arg679His (NM_001290309.3); c.1976G>A, p.Arg659His (NM_001290310.3); c.1235G>A, p.Arg412His (NM_001290312.1, NM_001323987.1, NM_001323988.1 and 16 more transcripts); c.2252G>A, p.Arg751His (NM_001323986.2); c.896G>A, p.Arg299His (NM_001324006.1, NM_001324007.1, NM_001324008.1 and 2 more transcripts); c.1142G>A, p.Arg381His (NM_001324011.1); c.992G>A, p.Arg331His (NM_001324012.1, NM_001324013.1); and 2 more; short protein forms R381H, R659H, R751H, R299H, R331H, R412H, R782H, R679H.
Identifiers: ClinVar variation 844515 (VCV000844515.10), dbSNP rs1274345685, ClinGen allele CA361134371.